The following is an entry in ClinVar:

NM_005228.5(EGFR):c.3146G>T (p.Cys1049Phe)

Gene: EGFR (epidermal growth factor receptor; plus strand). Cytogenetic location: 7p11.2.
Variant type: single nucleotide variant.
Coding change: c.3146G>T on transcript NM_005228.5 (MANE Select); coding-DNA position 3146, G replaced by T.
Protein change: p.Cys1049Phe; replaces cysteine 1049 with phenylalanine.
Molecular consequence: missense variant.
Genome position (GRCh38, 1-based): chr7:55,201,766, G>T. VCF-style: chr7-55201766-G-T. GRCh37 (hg19) VCF-style: chr7-55269459-G-T.
Other names: c.3011G>T, p.Cys1004Phe (NM_001346897.2, NM_001346899.2); c.3146G>T, p.Cys1049Phe (NM_001346898.2); c.2987G>T, p.Cys996Phe (NM_001346900.2); c.2345G>T, p.Cys782Phe (NM_001346941.2); short protein forms C1049F, C782F, C1004F, C996F.
Identifiers: ClinVar variation 959464 (VCV000959464.9), dbSNP rs1787859485, ClinGen allele CA367582985.

ClinVar aggregate classification (germline): Uncertain significance (1 of 4 stars; one submission).

Conditions:
EGFR-related lung cancer (EGFR). Identifiers: MedGen CN130014.

Submission:

Labcorp Genetics (formerly Invitae), Labcorp
Classification: Uncertain significance for EGFR-related lung cancer. Last evaluated: 2025-02-10. Review status: criteria provided, single submitter. Criteria: Invitae Variant Classification Sherloc (09022015). Collection method: clinical testing. Allele origin: germline.
Comment: This sequence change replaces cysteine, which is neutral and slightly polar, with phenylalanine, which is neutral and non-polar, at codon 1049 of the EGFR protein (p.Cys1049Phe). This variant is not present in population databases (gnomAD no frequency). This variant has not been reported in the literature in individuals affected with EGFR-related conditions. ClinVar contains an entry for this variant (Variation ID: 959464). An algorithm developed to predict the effect of missense changes on protein structure and function (PolyPhen-2) suggests that this variant is likely to be tolerated. In summary, the available evidence is currently insufficient to determine the role of this variant in disease. Therefore, it has been classified as a Variant of Uncertain Significance.